The following is an entry in ClinVar:

NM_001378120.1(MBD5):c.337C>A (p.His113Asn)

Gene: MBD5 (methyl-CpG binding domain protein 5; plus strand). Cytogenetic location: 2q23.1.
Variant type: single nucleotide variant.
Coding change: c.337C>A on transcript NM_001378120.1 (MANE Select); coding-DNA position 337, C replaced by A.
Protein change: p.His113Asn; replaces histidine 113 with asparagine.
Molecular consequence: missense variant.
Genome position (GRCh38, 1-based): chr2:148,463,859, C>A. VCF-style: chr2-148463859-C-A. GRCh37 (hg19) VCF-style: chr2-149221428-C-A.
Other names: c.337C>A, p.His113Asn (NM_018328.5); short protein forms H113N.
Identifiers: ClinVar variation 2789823 (VCV002789823.3), dbSNP rs776892650, ClinGen allele CA1899854.

ClinVar aggregate classification (germline): Uncertain significance (1 of 4 stars; one submission).

Conditions:
Intellectual developmental disorder, autosomal dominant 1. Also called: MBD5 Haploinsufficiency; Intellectual disability, autosomal dominant 1. Identifiers: Orphanet 228402, MedGen C1969562, MONDO:0007974, OMIM 156200.

Allele frequency attached by ClinVar (database versions not stated): gnomAD exomes below 0.00001; TOPMed below 0.00001; ExAC 0.00001.
gnomAD v4.1: 2 of 1,613,736 alleles (0.00012%); highest among the groups gnomAD compares: East Asian, 0.0045%; no homozygotes.

Submission:

Labcorp Genetics (formerly Invitae), Labcorp
Classification: Uncertain significance for Intellectual developmental disorder, autosomal dominant 1. Last evaluated: 2022-10-29. Review status: criteria provided, single submitter. Criteria: Invitae Variant Classification Sherloc (09022015). Collection method: clinical testing. Allele origin: germline.
Comment: This sequence change replaces histidine, which is basic and polar, with asparagine, which is neutral and polar, at codon 113 of the MBD5 protein (p.His113Asn). This variant is present in population databases (rs776892650, gnomAD 0.006%). This variant has not been reported in the literature in individuals affected with MBD5-related conditions. Advanced modeling of protein sequence and biophysical properties (such as structural, functional, and spatial information, amino acid conservation, physicochemical variation, residue mobility, and thermodynamic stability) has been performed at Invitae for this missense variant, however the output from this modeling did not meet the statistical confidence thresholds required to predict the impact of this variant on MBD5 protein function. In summary, the available evidence is currently insufficient to determine the role of this variant in disease. Therefore, it has been classified as a Variant of Uncertain Significance.